The following is an entry in ClinVar:

ClinVar aggregate classification (germline): Uncertain significance (1 of 4 stars; one submission).

Conditions:
Familial cancer of breast. Also called: hereditary breast carcinoma; BREAST CANCER, FAMILIAL; Hereditary breast cancer. Identifiers: Orphanet 227535, MedGen C0346153, MONDO:0016419, OMIM 114480. Disease mechanism: loss of function.

Submission:

Labcorp Genetics (formerly Invitae), Labcorp
Classification: Uncertain significance for Familial cancer of breast. Last evaluated: 2022-04-24. Review status: criteria provided, single submitter. Criteria: Invitae Variant Classification Sherloc (09022015). Collection method: clinical testing. Allele origin: germline.
Comment: In summary, the available evidence is currently insufficient to determine the role of this variant in disease. Therefore, it has been classified as a Variant of Uncertain Significance. Algorithms developed to predict the effect of missense changes on protein structure and function output the following: SIFT: "Tolerated"; PolyPhen-2: "Benign"; Align-GVGD: "Class C0". The glycine amino acid residue is found in multiple mammalian species, which suggests that this missense change does not adversely affect protein function. This variant has not been reported in the literature in individuals affected with PALB2-related conditions. This variant is not present in population databases (gnomAD no frequency). This sequence change replaces glutamic acid, which is acidic and polar, with glycine, which is neutral and non-polar, at codon 528 of the PALB2 protein (p.Glu528Gly).

NM_024675.4(PALB2):c.1583A>G (p.Glu528Gly)

Gene: PALB2 (partner and localizer of BRCA2; minus strand). Cytogenetic location: 16p12.2.
Variant type: single nucleotide variant.
Coding change: c.1583A>G on transcript NM_024675.4 (MANE Select); coding-DNA position 1583, A replaced by G.
Protein change: p.Glu528Gly; replaces glutamic acid 528 with glycine.
Molecular consequence: missense variant.
Genome position (GRCh38, 1-based): chr16:23,634,963, T>C on the plus strand (A>G on the coding strand, the complement: PALB2 is on the minus strand). VCF-style: chr16-23634963-T-C. GRCh37 (hg19) VCF-style: chr16-23646284-T-C.
Other names: c.1523A>G, p.Glu508Gly (NM_001407296.1); c.1583A>G, p.Glu528Gly (NM_001407297.1, NM_001407298.1, NM_001407299.1 and 3 more transcripts); c.698A>G, p.Glu233Gly (NM_001407304.1, NM_001407305.1, NM_001407306.1 and 5 more transcripts); short protein forms E508G, E233G, E528G.
Identifiers: ClinVar variation 2130048 (VCV002130048.4), dbSNP rs2506472616, ClinGen allele CA395130630.